The following is an entry in ClinVar:

NM_004239.4(TRIP11):c.4050A>C (p.Glu1350Asp)

Gene: TRIP11 (thyroid hormone receptor interactor 11; minus strand). Cytogenetic location: 14q32.12.
Variant type: single nucleotide variant.
Coding change: c.4050A>C on transcript NM_004239.4 (MANE Select); coding-DNA position 4050, A replaced by C.
Protein change: p.Glu1350Asp; replaces glutamic acid 1350 with aspartic acid.
Molecular consequence: missense variant.
Genome position (GRCh38, 1-based): chr14:92,003,926, T>G on the plus strand (A>C on the coding strand, the complement: TRIP11 is on the minus strand). VCF-style: chr14-92003926-T-G. GRCh37 (hg19) VCF-style: chr14-92470270-T-G.
Other names: c.4047A>C, p.Glu1349Asp (NM_001321851.1); short protein forms E1350D, E1349D.
Identifiers: ClinVar variation 314945 (VCV000314945.13), dbSNP rs548160101, ClinGen allele CA7313531.

ClinVar aggregate classification (germline): Conflicting classifications of pathogenicity. Review status: criteria provided, conflicting classifications (1 of 4 stars). 5 submissions from 5 submitters: Uncertain significance (4); Likely benign (1). Last evaluated 2025-06-02.

Conditions:
Achondrogenesis, type IA (ACG1A). Identifiers: Orphanet 932, Orphanet 93299, MedGen C0265273, MONDO:0008701, OMIM 200600.
Inborn genetic diseases. Identifiers: MedGen C0950123, MeSH D030342.

Allele frequency attached by ClinVar (database versions not stated): gnomAD 0.00006 and 0.00007; ExAC 0.00008; TOPMed 0.00013; 1000 Genomes Project 30x 0.00016; 1000 Genomes Project 0.00020.
gnomAD v4.1: 83 of 1,614,192 alleles (0.0051%); highest among the groups gnomAD compares: Middle Eastern, 0.066%; no homozygotes.

Submissions (5):

GeneDx
Classification: Uncertain significance. Last evaluated: 2025-06-02. Review status: criteria provided, single submitter. Criteria: GeneDx Variant Classification Process June 2021. Collection method: clinical testing. Allele origin: germline. Affected: yes.
Comment: In silico analysis suggests that this missense variant does not alter protein structure/function; Has not been previously published as pathogenic or benign to our knowledge

Blueprint Genetics
Classification: Likely benign. Last evaluated: 2024-07-14. Review status: criteria provided, single submitter. Criteria: ACMG Guidelines, 2015. Collection method: clinical testing. Allele origin: germline.

Labcorp Genetics (formerly Invitae), Labcorp
Classification: Uncertain significance for Achondrogenesis, type IA. Last evaluated: 2024-01-02. Review status: criteria provided, single submitter. Criteria: Invitae Variant Classification Sherloc (09022015). Collection method: clinical testing. Allele origin: germline.
Comment: This sequence change replaces glutamic acid, which is acidic and polar, with aspartic acid, which is acidic and polar, at codon 1350 of the TRIP11 protein (p.Glu1350Asp). This variant is present in population databases (rs548160101, gnomAD 0.02%). This variant has not been reported in the literature in individuals affected with TRIP11-related conditions. ClinVar contains an entry for this variant (Variation ID: 314945). Advanced modeling of protein sequence and biophysical properties (such as structural, functional, and spatial information, amino acid conservation, physicochemical variation, residue mobility, and thermodynamic stability) performed at Invitae indicates that this missense variant is not expected to disrupt TRIP11 protein function with a negative predictive value of 80%. In summary, the available evidence is currently insufficient to determine the role of this variant in disease. Therefore, it has been classified as a Variant of Uncertain Significance.

Ambry Genetics
Classification: Uncertain significance for Inborn genetic diseases. Last evaluated: 2023-12-28. Review status: criteria provided, single submitter. Criteria: Ambry Variant Classification Scheme 2023. Collection method: clinical testing. Allele origin: germline.

Illumina Laboratory Services, Illumina
Classification: Uncertain significance for Achondrogenesis, type IA. Last evaluated: 2018-01-13. Review status: criteria provided, single submitter. Criteria: ICSL Variant Classification Criteria 13 December 2019. Collection method: clinical testing. Allele origin: germline.